The following is an entry in ClinVar:

ClinVar aggregate classification (germline): Uncertain significance (1 of 4 stars; one submission).

Conditions:
Lethal congenital glycogen storage disease of heart. Also called: GLYCOGEN STORAGE DISEASE OF HEART; PHOSPHORYLASE KINASE DEFICIENCY OF HEART. Identifiers: Orphanet 439854, MedGen C1849813, MONDO:0009867, OMIM 261740.

Submission:

Labcorp Genetics (formerly Invitae), Labcorp
Classification: Uncertain significance for Lethal congenital glycogen storage disease of heart. Last evaluated: 2025-05-11. Review status: criteria provided, single submitter. Criteria: Invitae Variant Classification Sherloc (09022015). Collection method: clinical testing. Allele origin: germline.
Comment: This sequence change replaces glycine, which is neutral and non-polar, with aspartic acid, which is acidic and polar, at codon 259 of the PRKAG2 protein (p.Gly259Asp). This variant is not present in population databases (gnomAD no frequency). This variant has not been reported in the literature in individuals affected with PRKAG2-related conditions. Invitae Evidence Modeling of protein sequence and biophysical properties (such as structural, functional, and spatial information, amino acid conservation, physicochemical variation, residue mobility, and thermodynamic stability) indicates that this missense variant is not expected to disrupt PRKAG2 protein function with a negative predictive value of 95%. In summary, the available evidence is currently insufficient to determine the role of this variant in disease. Therefore, it has been classified as a Variant of Uncertain Significance.

NM_016203.4(PRKAG2):c.776G>A (p.Gly259Asp)

Gene: PRKAG2 (protein kinase AMP-activated non-catalytic subunit gamma 2; minus strand). Cytogenetic location: 7q36.1.
Variant type: single nucleotide variant.
Coding change: c.776G>A on transcript NM_016203.4 (MANE Select); coding-DNA position 776, G replaced by A.
Protein change: p.Gly259Asp; replaces glycine 259 with aspartic acid.
Molecular consequence: missense variant.
Genome position (GRCh38, 1-based): chr7:151,595,433, C>T on the plus strand (G>A on the coding strand, the complement: PRKAG2 is on the minus strand). VCF-style: chr7-151595433-C-T. GRCh37 (hg19) VCF-style: chr7-151292519-C-T.
Other names: c.644G>A, p.Gly215Asp (NM_001040633.2, NM_001407024.1); c.401G>A, p.Gly134Asp (NM_001304527.2, NM_001407029.1); c.53G>A, p.Gly18Asp (NM_001304531.2, NM_001407034.1, NM_001407035.1 and 1 more transcripts); c.404G>A, p.Gly135Asp (NM_001363698.2, NM_001407028.1); c.776G>A, p.Gly259Asp (NM_001407021.1); c.773G>A, p.Gly258Asp (NM_001407022.1, NM_001407023.1); c.641G>A, p.Gly214Asp (NM_001407026.1, NM_001407027.1); c.488G>A, p.Gly163Asp (NM_001407030.1); and 6 more; short protein forms G134D, G135D, G151D, G153D, G162D, G163D, G17D, G18D.
Identifiers: ClinVar variation 4802508 (VCV004802508.1).